The following is an entry in ClinVar:

ClinVar aggregate classification (germline): Uncertain significance (1 of 4 stars; one submission).

Conditions:
Townes-Brocks syndrome 1 (TBS1). Also called: DEAFNESS, SENSORINEURAL, WITH IMPERFORATE ANUS AND THUMB ANOMALIES; REAR SYNDROME; RENAL-EAR-ANAL-RADIAL SYNDROME; SALL1-Related Townes-Brocks Syndrome. Identifiers: Orphanet 857, MedGen C4551481, MONDO:0054581, OMIM 107480.

Submission:

Victorian Clinical Genetics Services, Murdoch Childrens Research Institute
Classification: Uncertain significance for Townes-Brocks syndrome 1. Last evaluated: 2020-05-21. Review status: criteria provided, single submitter. Criteria: ACMG Guidelines, 2015. Collection method: clinical testing. Allele origin: germline. Inheritance: Autosomal dominant inheritance.
Comment: A heterozygous missense variant was identified, NM_002968.2(SALL1):c.3322G>T in exon 2 of 3 of the SALL1 gene. This substitution is predicted to create a minor amino acid change from valine to phenylalanine at position 1108 of the protein, NP_002959.2(SALL1):p.(Val1108Phe). The valine at this position has low conservation (100 vertebrates, UCSC), and is not situated in a known functional domain. In silico software predictions of the pathogenicity of this variant are conflicting (Polyphen, SIFT, CADD, Mutation Taster). The variant is present in the gnomAD population database at a frequency of 0.0004% (1 heterozygote). Two alternative residue changes at the same location have been reported in the gnomAD database at a frequency of 0.002% and 0.01%. The variant has not been previously reported in clinical cases. Based on information available at the time of curation, this variant has been classified as a VARIANT of UNCERTAIN SIGNIFICANCE (VUS) with LOW CLINICAL RELEVANCE.

NM_002968.3(SALL1):c.3322G>T (p.Val1108Phe)

Gene: SALL1 (spalt like transcription factor 1; minus strand). Cytogenetic location: 16q12.1.
Variant type: single nucleotide variant.
Coding change: c.3322G>T on transcript NM_002968.3 (MANE Select); coding-DNA position 3322, G replaced by T.
Protein change: p.Val1108Phe; replaces valine 1108 with phenylalanine.
Molecular consequence: missense variant.
Genome position (GRCh38, 1-based): chr16:51,138,900, C>A on the plus strand (G>T on the coding strand, the complement: SALL1 is on the minus strand). VCF-style: chr16-51138900-C-A. GRCh37 (hg19) VCF-style: chr16-51172811-C-A.
Other names: c.3031G>T, p.Val1011Phe (NM_001127892.2); short protein forms V1011F, V1108F.
Identifiers: ClinVar variation 1699245 (VCV001699245.3), dbSNP rs148931484, ClinGen allele CA8052953.